The following is an entry in ClinVar:

NM_001035.3(RYR2):c.9044T>G (p.Val3015Gly)

Gene: RYR2 (ryanodine receptor 2; plus strand). Cytogenetic location: 1q43.
Variant type: single nucleotide variant.
Coding change: c.9044T>G on transcript NM_001035.3 (MANE Select); coding-DNA position 9044, T replaced by G.
Protein change: p.Val3015Gly; replaces valine 3015 with glycine.
Molecular consequence: missense variant.
Genome position (GRCh38, 1-based): chr1:237,687,481, T>G. VCF-style: chr1-237687481-T-G. GRCh37 (hg19) VCF-style: chr1-237850781-T-G.
Other names: short protein forms V3015G.
Identifiers: ClinVar variation 2761344 (VCV002761344.3), dbSNP rs1686531122, ClinGen allele CA345405854.

ClinVar aggregate classification (germline): Uncertain significance (1 of 4 stars; one submission).

Conditions:
Catecholaminergic polymorphic ventricular tachycardia 1. Also called: VENTRICULAR TACHYCARDIA, STRESS-INDUCED POLYMORPHIC 1; VENTRICULAR TACHYCARDIA, CATECHOLAMINERGIC POLYMORPHIC, 1, WITH OR WITHOUT ATRIAL DYSFUNCTION AND/OR DILATED CARDIOMYOPATHY; RYR2-Related Catecholaminergic Polymorphic Ventricular Tachycardia. Identifiers: Orphanet 3286, MedGen C1631597, MONDO:0011484, OMIM 604772.

Allele frequency attached by ClinVar (database versions not stated): gnomAD exomes below 0.00001.
gnomAD v4.1: 2 of 1,609,116 alleles (0.00012%); highest among the groups gnomAD compares: Non-Finnish European, 0.00017%; no homozygotes.

Submission:

Labcorp Genetics (formerly Invitae), Labcorp
Classification: Uncertain significance for Catecholaminergic polymorphic ventricular tachycardia 1. Last evaluated: 2023-12-19. Review status: criteria provided, single submitter. Criteria: Invitae Variant Classification Sherloc (09022015). Collection method: clinical testing. Allele origin: germline.
Comment: This sequence change replaces valine, which is neutral and non-polar, with glycine, which is neutral and non-polar, at codon 3015 of the RYR2 protein (p.Val3015Gly). This variant is not present in population databases (gnomAD no frequency). This variant has not been reported in the literature in individuals affected with RYR2-related conditions. Advanced modeling of protein sequence and biophysical properties (such as structural, functional, and spatial information, amino acid conservation, physicochemical variation, residue mobility, and thermodynamic stability) performed at Invitae indicates that this missense variant is expected to disrupt RYR2 protein function with a positive predictive value of 95%. In summary, the available evidence is currently insufficient to determine the role of this variant in disease. Therefore, it has been classified as a Variant of Uncertain Significance.